The following is an entry in ClinVar:

ClinVar aggregate classification (germline): Benign/Likely benign. Review status: criteria provided, multiple submitters, no conflicts (2 of 4 stars). 6 submissions from 6 submitters: Benign (4); Likely benign (2). Last evaluated 2026-01-25.

Conditions:
Inborn genetic diseases. Identifiers: MedGen C0950123, MeSH D030342.

Allele frequency attached by ClinVar (database versions not stated): TOPMed 0.00004; gnomAD 0.00005 and 0.00006; gnomAD exomes 0.00013 and 0.00021; 1000 Genomes Project 30x 0.00021; ExAC 0.00023; 1000 Genomes Project 0.00026.
gnomAD v4.1: 160 of 1,209,213 alleles (0.013%); highest among the groups gnomAD compares: Middle Eastern, 0.25%; no homozygotes.

Submissions (6):

Labcorp Genetics (formerly Invitae), Labcorp
Classification: Benign. Last evaluated: 2026-01-25. Review status: criteria provided, single submitter. Criteria: Invitae Variant Classification Sherloc (09022015). Collection method: clinical testing. Allele origin: germline.

CeGaT Center for Human Genetics Tuebingen
Classification: Likely benign. Last evaluated: 2026-01-01. Review status: criteria provided, single submitter. Criteria: CeGaT Center For Human Genetics Tuebingen Variant Classification Criteria Version 2. Collection method: clinical testing. Allele origin: germline. Affected: yes. Observed: 2 variant alleles.
Comment: HUWE1: BP4, BP7, BS2

Blueprint Genetics
Classification: Likely benign. Last evaluated: 2024-09-10. Review status: criteria provided, single submitter. Criteria: ACMG Guidelines, 2015. Collection method: clinical testing. Allele origin: germline.

GeneDx
Classification: Benign. Last evaluated: 2020-08-26. Review status: criteria provided, single submitter. Criteria: GeneDx Variant Classification Process June 2021. Collection method: clinical testing. Allele origin: germline. Affected: yes.

Ambry Genetics
Classification: Benign for Inborn genetic diseases. Last evaluated: 2018-02-15. Review status: criteria provided, single submitter. Criteria: Ambry Variant Classification Scheme 2023. Collection method: clinical testing. Allele origin: germline.

Breakthrough Genomics
Classification: Benign. Review status: criteria provided, single submitter. Criteria: ACMG Guidelines, 2015. Collection method: not provided. Allele origin: germline. Inheritance: X-linked inheritance. Affected: yes.

NM_031407.7(HUWE1):c.5952T>C (p.Gly1984=)

Gene: HUWE1 (HECT, UBA and WWE domain containing E3 ubiquitin protein ligase 1; minus strand). Cytogenetic location: Xp11.22.
Variant type: single nucleotide variant.
Coding change: c.5952T>C on transcript NM_031407.7 (MANE Select); coding-DNA position 5952, T replaced by C.
Protein change: p.Gly1984=; no amino-acid change (glycine 1984 retained).
Molecular consequence: synonymous variant.
Genome position (GRCh38, 1-based): chrX:53,575,721, A>G on the plus strand (T>C on the coding strand, the complement: HUWE1 is on the minus strand). VCF-style: chrX-53575721-A-G. GRCh37 (hg19) VCF-style: chrX-53602681-A-G.
Identifiers: ClinVar variation 590226 (VCV000590226.35), dbSNP rs782202317, ClinGen allele CA10422185.